The following is an entry in ClinVar:

NM_003906.5(MCM3AP):c.4715_4716dup (p.Ile1573fs)

Genes: MCM3AP (minichromosome maintenance complex component 3 associated protein; minus strand), MCM3AP-AS1 (MCM3AP antisense RNA 1; plus strand). Cytogenetic location: 21q22.3.
Variant type: Microsatellite.
Coding change: c.4715_4716dup on transcript NM_003906.5 (MANE Select); coding-DNA positions 4715 to 4716, 2 bases duplicated (TC; older notation c.4715_4716dupTC).
Protein change: p.Ile1573fs; shifts the reading frame from isoleucine 1573.
Molecular consequence: frameshift variant.
Genome position (GRCh38, 1-based): chr21:46,245,129-46,245,130, GA duplicated on the plus strand (TC on the coding strand, the reverse complement: MCM3AP is on the minus strand); duplicating any 2 consecutive bases within chr21:46,245,129-46,245,133 gives the same sequence; the c. name uses the placement nearest the transcript's 3' end. VCF-style (leftmost placement, unchanged base first): chr21-46245128-T-TGA. GRCh37 (hg19) VCF-style: chr21-47665042-T-TGA.
Other names: short protein forms I1573fs.
Identifiers: ClinVar variation 2024232 (VCV002024232.4), dbSNP rs2517320038, ClinGen allele CA2580615227.

ClinVar aggregate classification (germline): Pathogenic (1 of 4 stars; one submission).

Submission:

Labcorp Genetics (formerly Invitae), Labcorp
Classification: Pathogenic. Last evaluated: 2022-08-15. Review status: criteria provided, single submitter. Criteria: Invitae Variant Classification Sherloc (09022015). Collection method: clinical testing. Allele origin: germline.
Comment: This sequence change creates a premature translational stop signal (p.Ile1573Serfs*90) in the MCM3AP gene. It is expected to result in an absent or disrupted protein product. Loss-of-function variants in MCM3AP are known to be pathogenic (PMID: 28633435). This variant is not present in population databases (gnomAD no frequency). This variant has not been reported in the literature in individuals affected with MCM3AP-related conditions. For these reasons, this variant has been classified as Pathogenic.

Literature cited by the submitters: PubMed 28633435.